The following is an entry in ClinVar:

NM_000021.4(PSEN1):c.1081G>C (p.Val361Leu)

Gene: PSEN1 (presenilin 1; plus strand). Cytogenetic location: 14q24.2.
Variant type: single nucleotide variant.
Coding change: c.1081G>C on transcript NM_000021.4 (MANE Select); coding-DNA position 1081, G replaced by C.
Protein change: p.Val361Leu; replaces valine 361 with leucine.
Molecular consequence: missense variant.
Genome position (GRCh38, 1-based): chr14:73,211,894, G>C. VCF-style: chr14-73211894-G-C. GRCh37 (hg19) VCF-style: chr14-73678602-G-C.
Other names: c.1069G>C, p.Val357Leu (NM_007318.3); short protein forms V357L, V361L.
Identifiers: ClinVar variation 1360165 (VCV001360165.6), dbSNP rs1019919048, ClinGen allele CA390305578.

ClinVar aggregate classification (germline): Uncertain significance (1 of 4 stars; one submission).

Conditions:
Acne inversa, familial, 3 (ACNINV3). Identifiers: MedGen C3151038, MONDO:0013398, OMIM 613737.
Alzheimer disease 3 (AD3). Also called: ALZHEIMER DISEASE, FAMILIAL, 3. Identifiers: Orphanet 1020, MedGen C1843013, MONDO:0011913, OMIM 607822.
Frontotemporal dementia (FTD1). Also called: Frontotemporal lobe dementia (FLDEM); WILHELMSEN-LYNCH DISEASE; FRONTOTEMPORAL DEMENTIA WITH PARKINSONISM; FRONTOTEMPORAL LOBE DEMENTIA; MULTIPLE SYSTEM TAUOPATHY WITH PRESENILE DEMENTIA; FRONTOTEMPORAL LOBAR DEGENERATION WITH TAU INCLUSIONS. Identifiers: Orphanet 282, MedGen C0338451, MONDO:0017276, OMIM 600274, HP:0002145.
Pick disease. Also called: Pick's disease; DEMENTIA WITH LOBAR ATROPHY AND NEURONAL CYTOPLASMIC INCLUSIONS; PICK DISEASE OF BRAIN; LOBAR ATROPHY OF BRAIN; Pick Disease of the Brain. Identifiers: Orphanet 282, MedGen C0236642, MONDO:0008243, OMIM 172700.

Allele frequency attached by ClinVar (database versions not stated): gnomAD exomes below 0.00001.
gnomAD v4.1: 2 of 1,613,952 alleles (0.00012%); highest among the groups gnomAD compares: East Asian, 0.0022%; no homozygotes.

Submission:

Labcorp Genetics (formerly Invitae), Labcorp
Classification: Uncertain significance for Alzheimer disease 3; Pick disease; Acne inversa, familial, 3; Frontotemporal dementia. Last evaluated: 2021-08-13. Review status: criteria provided, single submitter. Criteria: Invitae Variant Classification Sherloc (09022015). Collection method: clinical testing. Allele origin: germline.
Comment: In summary, the available evidence is currently insufficient to determine the role of this variant in disease. Therefore, it has been classified as a Variant of Uncertain Significance. Advanced modeling of protein sequence and biophysical properties (such as structural, functional, and spatial information, amino acid conservation, physicochemical variation, residue mobility, and thermodynamic stability) performed at Invitae indicates that this missense variant is not expected to disrupt PSEN1 protein function. This variant has not been reported in the literature in individuals affected with PSEN1-related conditions. This variant is not present in population databases (ExAC no frequency). This sequence change replaces valine with leucine at codon 361 of the PSEN1 protein (p.Val361Leu). The valine residue is moderately conserved and there is a small physicochemical difference between valine and leucine.